The following is an entry in ClinVar:

NM_018303.6(EXOC2):c.1443+10C>T

Gene: EXOC2 (exocyst complex component 2; minus strand). Cytogenetic location: 6p25.3.
Variant type: single nucleotide variant.
Coding change: c.1443+10C>T on transcript NM_018303.6 (MANE Select); 10 bases into the intron after coding-DNA position 1443, C replaced by T.
Molecular consequence: intron variant.
Genome position (GRCh38, 1-based): chr6:572,510, G>A on the plus strand (C>T on the coding strand, the complement: EXOC2 is on the minus strand). VCF-style: chr6-572510-G-A. GRCh37 (hg19) VCF-style: chr6-572510-G-A.
Identifiers: ClinVar variation 3367146 (VCV003367146.1).

ClinVar aggregate classification (germline): Uncertain significance (1 of 4 stars; one submission).

Conditions:
Neurodevelopmental disorder with dysmorphic facies and cerebellar hypoplasia. Identifiers: MedGen C5543332, MONDO:0859141, OMIM 619306.

gnomAD v4.1: 20 of 1,611,442 alleles (0.0012%); highest among the groups gnomAD compares: East Asian, 0.013%; no homozygotes.

Submission:

Neuberg Centre For Genomic Medicine, NCGM
Classification: Uncertain significance for Neurodevelopmental disorder with dysmorphic facies and cerebellar hypoplasia. Last evaluated: 2023-05-20. Review status: criteria provided, single submitter. Criteria: ACMG Guidelines, 2015. Collection method: clinical testing. Allele origin: germline. Inheritance: Autosomal recessive inheritance. Affected: yes.
Comment: The splice site donor c.1443+10C>T variant in the EXOC2 gene has not been reported previously as a pathogenic variant nor as a benign variant, to our knowledge. This variant is reported with the allele frequency (0.004%) in the gnomAD Exomes. This splice variant in intron 13 affects the position ten nucleotides downstream of exon 13. Splice site prediction tools predict a moderate splicing effect for this variant. Further studies are required to prove the pathogenicity of this variant. For these reasons, this variant has been classified as Uncertain Significance.